The following is an entry in ClinVar:

NM_017780.4(CHD7):c.8128C>T (p.Arg2710Trp)

Gene: CHD7 (chromodomain helicase DNA binding protein 7; plus strand). Cytogenetic location: 8q12.2.
Variant type: single nucleotide variant.
Coding change: c.8128C>T on transcript NM_017780.4 (MANE Select); coding-DNA position 8128, C replaced by T.
Protein change: p.Arg2710Trp; replaces arginine 2710 with tryptophan.
Molecular consequence: missense variant.
Genome position (GRCh38, 1-based): chr8:60,865,067, C>T. VCF-style: chr8-60865067-C-T. GRCh37 (hg19) VCF-style: chr8-61777626-C-T.
Other names: c.1981C>T, p.Arg661Trp (NM_001316690.1); short protein forms R2710W, R661W.
Identifiers: ClinVar variation 1695844 (VCV001695844.5), dbSNP rs1418386669, ClinGen allele CA371307306.

ClinVar aggregate classification (germline): Conflicting classifications of pathogenicity. Review status: criteria provided, conflicting classifications (1 of 4 stars). 2 submissions from 2 submitters: Uncertain significance (1); Benign (1). Last evaluated 2025-02-23.

Conditions:
CHARGE syndrome (CHARGE). Also called: Coloboma, heart anomaly, choanal atresia, retardation, genital and ear anomalies; CHARGE association; Hall-Hittner syndrome; Hittner Hirsch Kreh syndrome; CHARGE ASSOCIATION--COLOBOMA, HEART ANOMALY, CHOANAL ATRESIA, RETARDATION, GENITAL AND EAR ANOMALIES. Identifiers: Orphanet 138, MedGen C0265354, MONDO:0008965.

Allele frequency attached by ClinVar (database versions not stated): gnomAD exomes 0.00001.

Submissions (2):

Labcorp Genetics (formerly Invitae), Labcorp
Classification: Benign for CHARGE syndrome. Last evaluated: 2025-02-23. Review status: criteria provided, single submitter. Criteria: Invitae Variant Classification Sherloc (09022015). Collection method: clinical testing. Allele origin: germline.

GeneDx
Classification: Uncertain significance. Last evaluated: 2022-01-05. Review status: criteria provided, single submitter. Criteria: GeneDx Variant Classification Process June 2021. Collection method: clinical testing. Allele origin: germline. Affected: yes.
Comment: In silico analysis supports that this missense variant has a deleterious effect on protein structure/function; Missense variant in a gene in which most reported pathogenic variants are truncating/loss-of-function; Has not been previously published as pathogenic or benign to our knowledge